The following is an entry in ClinVar:

NM_018076.5(ODAD2):c.1018C>T (p.Arg340Cys)

Gene: ODAD2 (outer dynein arm docking complex subunit 2; minus strand). Cytogenetic location: 10p12.1.
Variant type: single nucleotide variant.
Coding change: c.1018C>T on transcript NM_018076.5 (MANE Select); coding-DNA position 1018, C replaced by T.
Protein change: p.Arg340Cys; replaces arginine 340 with cysteine.
Molecular consequence: missense variant. On other transcripts: intron variant (1).
Genome position (GRCh38, 1-based): chr10:27,971,232, G>A on the plus strand (C>T on the coding strand, the complement: ODAD2 is on the minus strand). VCF-style: chr10-27971232-G-A. GRCh37 (hg19) VCF-style: chr10-28260161-G-A.
Other names: c.1018C>T, p.Arg340Cys (NM_001290020.2); c.94C>T, p.Arg32Cys (NM_001312689.2); c.-187-9517C>T (NM_001290021.2); short protein forms R340C, R32C.
Identifiers: ClinVar variation 2513547 (VCV002513547.3), dbSNP rs753179587, ClinGen allele CA5453651.

ClinVar aggregate classification (germline): Uncertain significance (1 of 4 stars; one submission).

Conditions:
Primary ciliary dyskinesia. Also called: Ciliary dyskinesia. Identifiers: Orphanet 244, MedGen C0008780, MONDO:0016575, HP:0012265.

Allele frequency attached by ClinVar (database versions not stated): gnomAD 0.00003; gnomAD exomes 0.00003; TOPMed 0.00004; ExAC 0.00007.
gnomAD v4.1: 49 of 1,613,772 alleles (0.003%); highest among the groups gnomAD compares: East Asian, 0.033%; 2 homozygotes.

Submission:

Ambry Genetics
Classification: Uncertain significance for Primary ciliary dyskinesia. Last evaluated: 2024-05-12. Review status: criteria provided, single submitter. Criteria: Ambry Variant Classification Scheme 2023. Collection method: clinical testing. Allele origin: germline.
Comment: The p.R340C variant (also known as c.1018C>T), located in coding exon 7 of the ARMC4 gene, results from a C to T substitution at nucleotide position 1018. The arginine at codon 340 is replaced by cysteine, an amino acid with highly dissimilar properties. This amino acid position is conserved. In addition, this alteration is predicted to be tolerated by in silico analysis. Based on the available evidence, the clinical significance of this variant remains unclear.